The following is an entry in ClinVar:

NM_001042492.3(NF1):c.1186-19T>A

Gene: NF1 (neurofibromin 1; plus strand). Cytogenetic location: 17q11.2.
Variant type: single nucleotide variant.
Coding change: c.1186-19T>A on transcript NM_001042492.3 (MANE Select); 19 bases into the intron before coding-DNA position 1186, T replaced by A.
Molecular consequence: intron variant.
Genome position (GRCh38, 1-based): chr17:31,201,392, T>A. VCF-style: chr17-31201392-T-A. GRCh37 (hg19) VCF-style: chr17-29528410-T-A.
Other names: c.1186-19T>A (NM_000267.4, NM_001128147.3).
Identifiers: ClinVar variation 513182 (VCV000513182.9), dbSNP rs772566923, ClinGen allele CA8485713.

ClinVar aggregate classification (germline): Likely benign. Review status: criteria provided, multiple submitters, no conflicts (2 of 4 stars). 4 submissions from 4 submitters: Likely benign (4). Last evaluated 2026-02-03.

Conditions:
Neurofibromatosis, type 1 (NF1). Also called: VON RECKLINGHAUSEN DISEASE; NEUROFIBROMATOSIS, TYPE I, SOMATIC; Peripheral type neurofibromatosis; Neurofibromatosis, type I. Identifiers: Orphanet 636, MedGen C0027831, MONDO:0018975, OMIM 162200. Disease mechanism: loss of function.

Allele frequency attached by ClinVar (database versions not stated): TOPMed 0.00003; gnomAD exomes 0.00004 and 0.00006; gnomAD 0.00005 and 0.00006; ExAC 0.00009.
gnomAD v4.1: 65 of 1,601,604 alleles (0.0041%); highest among the groups gnomAD compares: Non-Finnish European, 0.005%; no homozygotes.

Submissions (4):

Labcorp Genetics (formerly Invitae), Labcorp
Classification: Likely benign for Neurofibromatosis, type 1. Last evaluated: 2026-02-03. Review status: criteria provided, single submitter. Criteria: Invitae Variant Classification Sherloc (09022015). Collection method: clinical testing. Allele origin: germline.

Blueprint Genetics
Classification: Likely benign. Last evaluated: 2024-10-16. Review status: criteria provided, single submitter. Criteria: ACMG Guidelines, 2015. Collection method: clinical testing. Allele origin: germline.

Genome-Nilou Lab
Classification: Likely benign for Neurofibromatosis, type 1. Last evaluated: 2022-03-15. Review status: criteria provided, single submitter. Criteria: ACMG Guidelines, 2015. Collection method: clinical testing. Allele origin: germline. Affected: no.

GeneDx
Classification: Likely benign. Last evaluated: 2017-11-07. Review status: criteria provided, single submitter. Criteria: GeneDx Variant Classification (06012015). Collection method: clinical testing. Allele origin: germline. Affected: yes.
Comment: This variant is considered likely benign or benign based on one or more of the following criteria: it is a conservative change, it occurs at a poorly conserved position in the protein, it is predicted to be benign by multiple in silico algorithms, and/or has population frequency not consistent with disease.